The following is an entry in ClinVar:

ClinVar aggregate classification (germline): Uncertain significance (1 of 4 stars; one submission).

Conditions:
Hypoplastic left heart syndrome. Also called: Hypoplastic left ventricle; Hypoplastic left heart. Identifiers: Orphanet 2248, MedGen C0152101, MONDO:0004933, HP:0004383.

Submission:

Labcorp Genetics (formerly Invitae), Labcorp
Classification: Uncertain significance for Hypoplastic left heart syndrome. Last evaluated: 2016-01-01. Review status: criteria provided, single submitter. Criteria: Invitae Variant Classification Sherloc (09022015). Collection method: clinical testing. Allele origin: germline.
Comment: This sequence change replaces glycine with cysteine at codon 97 of the HAND1 protein (p.Gly97Cys). The glycine residue is highly conserved and there is a large physicochemical difference between glycine and cysteine. This variant is not present in population databases (ExAC no frequency) and has not been reported in the literature in individuals with a HAND1-related disease. In summary, this is a novel missense change with uncertain impact on protein function. It has been classified as a Variant of Uncertain Significance. Algorithms developed to predict the effect of missense changes on protein structure and function do not agree on the potential impact of this missense change (SIFT: "Deleterious"; PolyPhen-2: "Probably Damaging"; Align-GVGD: "Class C15").

NM_004821.3(HAND1):c.289G>T (p.Gly97Cys)

Gene: HAND1 (heart and neural crest derivatives expressed 1; minus strand). Cytogenetic location: 5q33.2.
Variant type: single nucleotide variant.
Coding change: c.289G>T on transcript NM_004821.3 (MANE Select); coding-DNA position 289, G replaced by T.
Protein change: p.Gly97Cys; replaces glycine 97 with cysteine.
Molecular consequence: missense variant.
Genome position (GRCh38, 1-based): chr5:154,477,720, C>A on the plus strand (G>T on the coding strand, the complement: HAND1 is on the minus strand). VCF-style: chr5-154477720-C-A. GRCh37 (hg19) VCF-style: chr5-153857280-C-A.
Other names: short protein forms G97C.
Identifiers: ClinVar variation 240075 (VCV000240075.10), dbSNP rs878854746, ClinGen allele CA10582411.
Genomic context (GRCh38, chr5:154,477,720, plus strand): 5'-ACTCCGCGAATGCGCTGTTAATGCTCTCAGTGCGTCTCCGCTCCTTCTTGGGTCCTGAGC[C>A]TTTCCGCCGGCCAAGACGGCCGCCAAGCGCCTCCAGCCGCCCGGGGCTCTGCCCAGGCCT-3'
Protein context (NP_004812.1, residues 87-107): ALGGRLGRRK[Gly97Cys]SGPKKERRRT